The following is an entry in ClinVar:

ClinVar aggregate classification (germline): Uncertain significance (1 of 4 stars; one submission).

Allele frequency attached by ClinVar (database versions not stated): ExAC 0.00002.
gnomAD v4.1: 34 of 1,614,026 alleles (0.0021%); highest among the groups gnomAD compares: Non-Finnish European, 0.0027%; no homozygotes.

Submission:

Labcorp Genetics (formerly Invitae), Labcorp
Classification: Uncertain significance. Last evaluated: 2025-10-23. Review status: criteria provided, single submitter. Criteria: Invitae Variant Classification Sherloc (09022015). Collection method: clinical testing. Allele origin: germline.
Comment: This sequence change replaces serine, which is neutral and polar, with arginine, which is basic and polar, at codon 140 of the OTULIN protein (p.Ser140Arg). This variant is present in population databases (rs748478710, gnomAD 0.003%). This variant has not been reported in the literature in individuals affected with OTULIN-related conditions. ClinVar contains an entry for this variant (Variation ID: 1388921). Invitae Evidence Modeling of protein sequence and biophysical properties (such as structural, functional, and spatial information, amino acid conservation, physicochemical variation, residue mobility, and thermodynamic stability) indicates that this missense variant is not expected to disrupt OTULIN protein function with a negative predictive value of 80%. In summary, the available evidence is currently insufficient to determine the role of this variant in disease. Therefore, it has been classified as a Variant of Uncertain Significance.

NM_138348.6(OTULIN):c.420C>A (p.Ser140Arg)

Gene: OTULIN (OTU deubiquitinase with linear linkage specificity; plus strand). Cytogenetic location: 5p15.2.
Variant type: single nucleotide variant.
Coding change: c.420C>A on transcript NM_138348.6 (MANE Select); coding-DNA position 420, C replaced by A.
Protein change: p.Ser140Arg; replaces serine 140 with arginine.
Molecular consequence: missense variant.
Genome position (GRCh38, 1-based): chr5:14,681,559, C>A. VCF-style: chr5-14681559-C-A. GRCh37 (hg19) VCF-style: chr5-14681668-C-A.
Other names: short protein forms S140R.
Identifiers: ClinVar variation 1388921 (VCV001388921.6), dbSNP rs748478710, ClinGen allele CA3208596.